The following is an entry in ClinVar:

ClinVar aggregate classification (germline): Benign/Likely benign. Review status: criteria provided, multiple submitters, no conflicts (2 of 4 stars). 5 submissions from 5 submitters: Benign (1); Likely benign (4). Last evaluated 2026-01-21.

Conditions:
Familial thoracic aortic aneurysm and aortic dissection (TAAD). Also called: Thoracic aortic aneurysms and dissections. Identifiers: Orphanet 91387, MedGen C4707243, MONDO:0019625.
Ehlers-Danlos syndrome, classic type, 1 (EDSCL1). Also called: EHLERS-DANLOS SYNDROME, GRAVIS TYPE; EHLERS-DANLOS SYNDROME, SEVERE CLASSIC TYPE; Ehlers-Danlos Syndrome, Classic Type, COL5A1-Related; EDS I; Ehlers-Danlos syndrome, type 1. Identifiers: MedGen C0268335, MONDO:0019567, OMIM 130000.

Allele frequency attached by ClinVar (database versions not stated): gnomAD exomes 0.00006; TOPMed 0.00019; gnomAD 0.00006; ExAC 0.00007; ESP Exome Variant Server 0.00008; 1000 Genomes Project 0.00060; 1000 Genomes Project 30x 0.00078.
gnomAD v4.1: 201 of 1,614,066 alleles (0.012%); highest among the groups gnomAD compares: African/African-American, 0.02%; no homozygotes.

Submissions (5):

Labcorp Genetics (formerly Invitae), Labcorp
Classification: Likely benign for Ehlers-Danlos syndrome, classic type, 1. Last evaluated: 2026-01-21. Review status: criteria provided, single submitter. Criteria: Invitae Variant Classification Sherloc (09022015). Collection method: clinical testing. Allele origin: germline.

Mayo Clinic Laboratories, Mayo Clinic
Classification: Likely benign. Last evaluated: 2025-12-10. Review status: criteria provided, single submitter. Criteria: ACMG Guidelines, 2015. Collection method: clinical testing. Allele origin: germline. Observed: 1 variant allele.
Comment: BS1, BP4, BP7

Women's Health and Genetics/Laboratory Corporation of America, LabCorp
Classification: Benign. Last evaluated: 2023-10-19. Review status: criteria provided, single submitter. Criteria: LabCorp Variant Classification Summary - May 2015. Collection method: clinical testing. Allele origin: germline.

GeneDx
Classification: Likely benign. Last evaluated: 2021-03-31. Review status: criteria provided, single submitter. Criteria: GeneDx Variant Classification Process June 2021. Collection method: clinical testing. Allele origin: germline. Affected: yes.

Ambry Genetics
Classification: Likely benign for Familial thoracic aortic aneurysm and aortic dissection. Last evaluated: 2016-03-11. Review status: criteria provided, single submitter. Criteria: Ambry Variant Classification Scheme 2023. Collection method: clinical testing. Allele origin: germline.

NM_000093.5(COL5A1):c.1809C>T (p.Ala603=)

Gene: COL5A1 (collagen type V alpha 1 chain; plus strand). Cytogenetic location: 9q34.3.
Variant type: single nucleotide variant.
Coding change: c.1809C>T on transcript NM_000093.5 (MANE Select); coding-DNA position 1809, C replaced by T.
Protein change: p.Ala603=; no amino-acid change (alanine 603 retained).
Molecular consequence: synonymous variant.
Genome position (GRCh38, 1-based): chr9:134,754,308, C>T. VCF-style: chr9-134754308-C-T. GRCh37 (hg19) VCF-style: chr9-137646154-C-T.
Other names: p.Ala603=; c.1809C>T, p.Ala603= (NM_001278074.1).
Identifiers: ClinVar variation 389153 (VCV000389153.21), dbSNP rs371345820, ClinGen allele CA5318979.